The following continues an entry in ClinVar:

NM_002524.5(NRAS):c.182A>G (p.Gln61Arg)

Gene: NRAS. ClinVar aggregate classification (germline): Pathogenic. Pathogenic (8). ClinVar aggregate classification (somatic clinical impact): Tier I - Strong. ClinVar aggregate classification (oncogenicity): Oncogenic.

Submission 23 of 23:

Joint Genome Diagnostic Labs from Nijmegen and Maastricht, Radboudumc and MUMC+
Classification: Pathogenic. Review status: no assertion criteria provided. Collection method: clinical testing. Allele origin: germline. Affected: yes. Study: VKGL Data-share Consensus. Not counted in ClinVar's aggregate classification.

Literature cited by the submitters: PubMed 25252692 (cited by Center for Virology of Infectious and Tropical Diseases (CVMIT), Mohammed V Military Teaching Hospital and Institute for Genomic Medicine (IGM) Clinical Laboratory, Nationwide Children's Hospital); PubMed 32852896 (cited by Dasa); PubMed 30542204 (cited by Dasa); PubMed 16281072 (cited by Dasa); PubMed 30992690 (cited by Dasa); PubMed 30232126 (cited by Dasa); PubMed 23667841 (cited by Dasa); PubMed 16434492 (cited by Dasa); PubMed 21263000 (cited by Dasa); PubMed 19808697 (cited by Dasa); PubMed 19075190 (cited by Dasa); PubMed 16818621 (cited by 3 submitters); PubMed 19966803 (cited by Dasa); PubMed 22499344 (cited by Dasa and OMIM); PubMed 39572526 (cited by Dasa); PubMed 22976956 (cited by Dasa); PubMed 19773259 (cited by Dasa); PubMed 27145535 (cited by Dasa); PubMed 29397482 (cited by Dasa); PubMed 35246606 (cited by Dasa); PubMed 35391614 (cited by Institute for Genomic Medicine (IGM) Clinical Laboratory, Nationwide Children's Hospital); PubMed 35944066 (cited by Institute for Genomic Medicine (IGM) Clinical Laboratory, Nationwide Children's Hospital); PubMed 24436047 (cited by Institute for Genomic Medicine (IGM) Clinical Laboratory, Nationwide Children's Hospital); PubMed 34166060 (cited by Institute for Genomic Medicine (IGM) Clinical Laboratory, Nationwide Children's Hospital); PubMed 2680062 (cited by Institute for Genomic Medicine (IGM) Clinical Laboratory, Nationwide Children's Hospital); PubMed 19681119 (cited by Institute for Genomic Medicine (IGM) Clinical Laboratory, Nationwide Children's Hospital); PubMed 24332040 (cited by Institute for Genomic Medicine (IGM) Clinical Laboratory, Nationwide Children's Hospital); PubMed 25768946 (cited by Institute for Genomic Medicine (IGM) Clinical Laboratory, Nationwide Children's Hospital); PubMed 35705560 (cited by Institute for Genomic Medicine (IGM) Clinical Laboratory, Nationwide Children's Hospital); PubMed 35705558 (cited by Institute for Genomic Medicine (IGM) Clinical Laboratory, Nationwide Children's Hospital); PubMed 34117033 (cited by Center for Genomic Medicine, Rigshospitalet, Copenhagen University Hospital and Anatomical Molecular Laboratory, Singapore General Hospital); PubMed 27664710 (cited by Institute for Genomic Medicine (IGM) Clinical Laboratory, Nationwide Children's Hospital); PubMed 24705254 (cited by Institute for Genomic Medicine (IGM) Clinical Laboratory, Nationwide Children's Hospital); PubMed 26727948 (cited by Institute for Genomic Medicine (IGM) Clinical Laboratory, Nationwide Children's Hospital); PubMed 28966033 (cited by Institute for Genomic Medicine (IGM) Clinical Laboratory, Nationwide Children's Hospital); PubMed 29967352 (cited by Institute for Genomic Medicine (IGM) Clinical Laboratory, Nationwide Children's Hospital); PubMed 12788883 (cited by Institute for Genomic Medicine (IGM) Clinical Laboratory, Nationwide Children's Hospital); PubMed 31077238 (cited by Institute for Genomic Medicine (IGM) Clinical Laboratory, Nationwide Children's Hospital); PubMed 27494611 (cited by Institute for Genomic Medicine (IGM) Clinical Laboratory, Nationwide Children's Hospital); PubMed 29726952 (cited by Institute for Genomic Medicine (IGM) Clinical Laboratory, Nationwide Children's Hospital); PubMed 22650231 (cited by Institute for Genomic Medicine (IGM) Clinical Laboratory, Nationwide Children's Hospital); PubMed 28864536 (cited by Institute for Genomic Medicine (IGM) Clinical Laboratory, Nationwide Children's Hospital); PubMed 12727991 (cited by Institute for Genomic Medicine (IGM) Clinical Laboratory, Nationwide Children's Hospital and OMIM); PubMed 24820091 (cited by Institute for Genomic Medicine (IGM) Clinical Laboratory, Nationwide Children's Hospital); PubMed 30287508 (cited by Institute for Genomic Medicine (IGM) Clinical Laboratory, Nationwide Children's Hospital); PubMed 22589270 (cited by Institute for Genomic Medicine (IGM) Clinical Laboratory, Nationwide Children's Hospital); PubMed 24896186 (cited by Institute for Genomic Medicine (IGM) Clinical Laboratory, Nationwide Children's Hospital); PubMed 27391150 (cited by Institute for Genomic Medicine (IGM) Clinical Laboratory, Nationwide Children's Hospital); PubMed 24452629 (cited by Institute for Genomic Medicine (IGM) Clinical Laboratory, Nationwide Children's Hospital); PubMed 6587382 (cited by Laboratory for Molecular Medicine, Mass General Brigham Personalized Medicine); PubMed 1654209 (cited by Laboratory for Molecular Medicine, Mass General Brigham Personalized Medicine); PubMed 19880792 (cited by Laboratory for Molecular Medicine, Mass General Brigham Personalized Medicine); PubMed 14508525 (cited by Laboratory for Molecular Medicine, Mass General Brigham Personalized Medicine); PubMed 22773810 (cited by Laboratory for Molecular Medicine, Mass General Brigham Personalized Medicine); PubMed 18633438 (cited by OMIM); PubMed 23392294 (cited by OMIM); PubMed 24006476 (cited by OMIM); PubMed 28537899 (cited by Anatomical Molecular Laboratory, Singapore General Hospital).